The following is an entry in ClinVar:

ClinVar aggregate classification (germline): Benign. Review status: criteria provided, multiple submitters, no conflicts (2 of 4 stars). 3 submissions from 3 submitters: Benign (3). Last evaluated 2018-06-16.

Conditions:
Bilateral frontoparietal polymicrogyria. Also called: CEREBELLAR ATAXIA WITH NEURONAL MIGRATION DEFECT; CORTICAL DYSPLASIA, COMPLEX, WITH OTHER BRAIN MALFORMATIONS 14A (BILATERAL FRONTOPARIETAL). Identifiers: Orphanet 101070, MedGen C1847352, MONDO:0011738, OMIM 606854.

Allele frequency attached by ClinVar (database versions not stated): gnomAD 0.11487 and 0.11634; TOPMed 0.11589; gnomAD exomes 0.12682; 1000 Genomes Project 30x 0.12742; 1000 Genomes Project 0.12959.
gnomAD v4.1: 60,535 of 489,280 alleles (12%); highest among the groups gnomAD compares: East Asian, 22%; 4,144 homozygotes.

Submissions (3):

GeneDx
Classification: Benign. Last evaluated: 2018-06-16. Review status: criteria provided, single submitter. Criteria: GeneDx Variant Classification Process June 2021. Collection method: clinical testing. Allele origin: germline. Affected: yes.

Illumina Laboratory Services, Illumina
Classification: Benign for Bilateral frontoparietal polymicrogyria. Last evaluated: 2018-01-13. Review status: criteria provided, single submitter. Criteria: ICSL Variant Classification Criteria 13 December 2019. Collection method: clinical testing. Allele origin: germline.
Comment: This variant was observed in the ICSL laboratory as part of a predisposition screen in an ostensibly healthy population. It had not been previously curated by ICSL or reported in the Human Gene Mutation Database (HGMD: prior to June 1st, 2018), and was therefore a candidate for classification through an automated scoring system. Utilizing variant allele frequency, disease prevalence and penetrance estimates, and inheritance mode, an automated score was calculated to assess if this variant is too frequent to cause the disease. Based on the score and internal cut-off values, a variant classified as benign is not then subjected to further curation. The score for this variant resulted in a classification of benign for this disease.

Breakthrough Genomics
Classification: Benign. Review status: criteria provided, single submitter. Criteria: ACMG Guidelines, 2015. Collection method: not provided. Allele origin: germline. Inheritance: Autosomal recessive inheritance. Affected: yes.

NM_201525.4(ADGRG1):c.*301C>T

Gene: ADGRG1 (adhesion G protein-coupled receptor G1; plus strand). Cytogenetic location: 16q21.
Variant type: single nucleotide variant.
Coding change: c.*301C>T on transcript NM_201525.4 (MANE Select); 301 bases downstream of the stop codon, C replaced by T.
Molecular consequence: 3 prime UTR variant.
Genome position (GRCh38, 1-based): chr16:57,663,883, C>T. VCF-style: chr16-57663883-C-T. GRCh37 (hg19) VCF-style: chr16-57697795-C-T.
Other names: c.*301C>T (NM_001145770.3, NM_001145771.3, NM_001145772.3 and 25 more transcripts).
Identifiers: ClinVar variation 885909 (VCV000885909.8), dbSNP rs1823479, ClinGen allele CA14350042.